The following is an entry in ClinVar:

ClinVar aggregate classification (germline): Uncertain significance. Review status: criteria provided, multiple submitters, no conflicts (2 of 4 stars). 3 submissions from 3 submitters: Uncertain significance (3). Last evaluated 2025-08-10.

Conditions:
Inborn genetic diseases. Identifiers: MedGen C0950123, MeSH D030342.
Hyper-IgE recurrent infection syndrome 3, autosomal recessive. Also called: HYPER-IgE SYNDROME 3, AUTOSOMAL RECESSIVE, WITH RECURRENT INFECTIONS; Autosomal recessive hyper-IgE syndrome due to ZNF341 deficiency. Identifiers: Orphanet 641368, MedGen C4748969, MONDO:0032654, OMIM 618282.

Allele frequency attached by ClinVar (database versions not stated): TOPMed below 0.00001; ExAC 0.00001; gnomAD 0.00001; gnomAD exomes 0.00001; ESP Exome Variant Server 0.00008.
gnomAD v4.1: 19 of 1,613,914 alleles (0.0012%); highest among the groups gnomAD compares: Non-Finnish European, 0.0016%; no homozygotes.

Submissions (3):

Ambry Genetics
Classification: Uncertain significance for Inborn genetic diseases. Last evaluated: 2025-08-10. Review status: criteria provided, single submitter. Criteria: Ambry Variant Classification Scheme 2023. Collection method: clinical testing. Allele origin: germline.

Labcorp Genetics (formerly Invitae), Labcorp
Classification: Uncertain significance for Combined immunodeficiency due to DOCK8 deficiency. Last evaluated: 2023-01-05. Review status: criteria provided, single submitter. Criteria: Invitae Variant Classification Sherloc (09022015). Collection method: clinical testing. Allele origin: germline.
Comment: This sequence change replaces proline, which is neutral and non-polar, with serine, which is neutral and polar, at codon 1850 of the DOCK8 protein (p.Pro1850Ser). This variant is present in population databases (rs369327204, gnomAD 0.002%). In summary, the available evidence is currently insufficient to determine the role of this variant in disease. Therefore, it has been classified as a Variant of Uncertain Significance. Advanced modeling of protein sequence and biophysical properties (such as structural, functional, and spatial information, amino acid conservation, physicochemical variation, residue mobility, and thermodynamic stability) performed at Invitae indicates that this missense variant is not expected to disrupt DOCK8 protein function. ClinVar contains an entry for this variant (Variation ID: 953407). This variant has not been reported in the literature in individuals affected with DOCK8-related conditions.

GeneDx
Classification: Uncertain significance. Last evaluated: 2022-01-11. Review status: criteria provided, single submitter. Criteria: GeneDx Variant Classification Process June 2021. Collection method: clinical testing. Allele origin: germline. Affected: yes.
Comment: Has not been previously published as pathogenic or benign to our knowledge; Not observed at significant frequency in large population cohorts (gnomAD); In silico analysis supports that this missense variant has a deleterious effect on protein structure/function; This variant is associated with the following publications: (PMID: 27350570, 19898472)

NM_203447.4(DOCK8):c.5548C>T (p.Pro1850Ser)

Gene: DOCK8 (dedicator of cytokinesis 8; plus strand). Cytogenetic location: 9p24.3.
Variant type: single nucleotide variant.
Coding change: c.5548C>T on transcript NM_203447.4 (MANE Select); coding-DNA position 5548, C replaced by T.
Protein change: p.Pro1850Ser; replaces proline 1850 with serine.
Molecular consequence: missense variant.
Genome position (GRCh38, 1-based): chr9:443,484, C>T. VCF-style: chr9-443484-C-T. GRCh37 (hg19) VCF-style: chr9-443484-C-T.
Other names: c.5248C>T, p.Pro1750Ser (NM_001190458.2); c.5344C>T, p.Pro1782Ser (NM_001193536.2); short protein forms P1850S, P1750S, P1782S.
Identifiers: ClinVar variation 953407 (VCV000953407.10), dbSNP rs369327204, ClinGen allele CA4959455.